The following is an entry in ClinVar:

ClinVar aggregate classification (germline): Uncertain significance (1 of 4 stars; one submission).

gnomAD v4.1: 8 of 1,614,066 alleles (0.0005%); highest among the groups gnomAD compares: African/African-American, 0.011%; no homozygotes.

Submission:

Labcorp Genetics (formerly Invitae), Labcorp
Classification: Uncertain significance. Last evaluated: 2025-07-21. Review status: criteria provided, single submitter. Criteria: Invitae Variant Classification Sherloc (09022015). Collection method: clinical testing. Allele origin: germline.
Comment: This sequence change replaces alanine, which is neutral and non-polar, with valine, which is neutral and non-polar, at codon 183 of the CSGALNACT1 protein (p.Ala183Val). This variant is present in population databases (rs759258619, gnomAD 0.02%). This variant has not been reported in the literature in individuals affected with CSGALNACT1-related conditions. Invitae Evidence Modeling of protein sequence and biophysical properties (such as structural, functional, and spatial information, amino acid conservation, physicochemical variation, residue mobility, and thermodynamic stability) indicates that this missense variant is not expected to disrupt CSGALNACT1 protein function with a negative predictive value of 80%. In summary, the available evidence is currently insufficient to determine the role of this variant in disease. Therefore, it has been classified as a Variant of Uncertain Significance.

NM_001354483.2(CSGALNACT1):c.548C>T (p.Ala183Val)

Gene: CSGALNACT1 (chondroitin sulfate N-acetylgalactosaminyltransferase 1; minus strand). Cytogenetic location: 8p21.3.
Variant type: single nucleotide variant.
Coding change: c.548C>T on transcript NM_001354483.2 (MANE Select); coding-DNA position 548, C replaced by T.
Protein change: p.Ala183Val; replaces alanine 183 with valine.
Molecular consequence: missense variant. On other transcripts: non-coding transcript variant (7).
Genome position (GRCh38, 1-based): chr8:19,505,287, G>A on the plus strand (C>T on the coding strand, the complement: CSGALNACT1 is on the minus strand). VCF-style: chr8-19505287-G-A. GRCh37 (hg19) VCF-style: chr8-19362798-G-A.
Other names: c.548C>T, p.Ala183Val (NM_001130518.2, NM_001354475.2, NM_001354476.2 and 18 more transcripts); short protein forms A183V.
Identifiers: ClinVar variation 4690770 (VCV004690770.1).